The following is an entry in ClinVar:

NM_000497.4(CYP11B1):c.994C>G (p.Arg332Gly)

Genes: CYP11B1 (cytochrome P450 family 11 subfamily B member 1; minus strand), LOC106799833 (CYP11B1 recombination region; plus strand). Cytogenetic location: 8q24.3.
Variant type: single nucleotide variant.
Coding change: c.994C>G on transcript NM_000497.4 (MANE Select); coding-DNA position 994, C replaced by G.
Protein change: p.Arg332Gly; replaces arginine 332 with glycine.
Molecular consequence: missense variant.
Genome position (GRCh38, 1-based): chr8:142,875,839, G>C on the plus strand (C>G on the coding strand, the complement: CYP11B1 is on the minus strand). VCF-style: chr8-142875839-G-C. GRCh37 (hg19) VCF-style: chr8-143957255-G-C.
Other names: c.994C>G, p.Arg332Gly (NM_001026213.1); short protein forms R332G.
Identifiers: ClinVar variation 864109 (VCV000864109.9), dbSNP rs777626314, ClinGen allele CA372394356.

ClinVar aggregate classification (germline): Pathogenic (1 of 4 stars; one submission).

Submission:

Labcorp Genetics (formerly Invitae), Labcorp
Classification: Pathogenic. Last evaluated: 2019-12-22. Review status: criteria provided, single submitter. Criteria: Invitae Variant Classification Sherloc (09022015). Collection method: clinical testing. Allele origin: germline.
Comment: This variant has been reported to affect CYP11B1 protein function (PMID: 26476331). This variant has been observed in individual(s) with adrenal hyperplasia (PMID: 26476331). It has also been observed to segregate with disease in related individuals. This variant is not present in population databases (ExAC no frequency). This sequence change replaces arginine with glycine at codon 332 of the CYP11B1 protein (p.Arg332Gly). The arginine residue is highly conserved and there is a moderate physicochemical difference between arginine and glycine. This variant disrupts the p.Arg332 amino acid residue in CYP11B1. Other variant(s) that disrupt this residue have been determined to be pathogenic (PMID: 24022297). This suggests that this residue is clinically significant, and that variants that disrupt this residue are likely to be disease-causing. For these reasons, this variant has been classified as Pathogenic.

Literature cited by the submitters: PubMed 26476331; PubMed 24022297.